The following is an entry in ClinVar:

ClinVar aggregate classification (germline): Pathogenic. Review status: reviewed by expert panel (3 of 4 stars). 28 submissions from 28 submitters: Pathogenic (1). 27 of the submissions do not count toward it. Last evaluated 2016-09-08.

Conditions:
BRCA2-related disorder. Also called: BRCA2-related condition; BRCA2-related disorders. Identifiers: MedGen CN239275.
Fanconi anemia complementation group D1. Also called: BRCA2-Related Fanconi Anemia. Identifiers: Orphanet 319462, MedGen C1838457, MONDO:0011584, OMIM 605724.
Hereditary breast ovarian cancer syndrome. Also called: Hereditary breast and ovarian cancer syndrome (HBOC); Hereditary breast and ovarian cancer syndrome; Hereditary breast and ovarian cancer; Hereditary breast and/or ovarian cancer syndrome; Breast and ovarian cancer; BRCA1- and BRCA2-Associated Hereditary Breast and Ovarian Cancer. Identifiers: Orphanet 145, MedGen C0677776, MeSH D061325, MONDO:0003582. Disease mechanism: loss of function.
BRCA2-related cancer predisposition. Identifiers: MedGen CN377758, MONDO:0700269.
Inherited breast cancer and ovarian cancer.
Hereditary cancer-predisposing syndrome. Also called: Tumor predisposition; Neoplastic Syndromes, Hereditary; Hereditary Cancer Syndrome; Hereditary neoplastic syndrome. Identifiers: Orphanet 140162, MedGen C0027672, MeSH D009386, MONDO:0015356.
Breast-ovarian cancer, familial, susceptibility to, 2 (BROVCA2). Also called: BRCA2 Hereditary Breast and Ovarian Cancer. Identifiers: Orphanet 145, MedGen C2675520, MONDO:0012933, OMIM 612555. Disease mechanism: loss of function.
Breast-ovarian cancer, familial, susceptibility to, 1 (BROVCA1). Also called: OVARIAN CANCER, SUSCEPTIBILITY TO; BRCA1 Hereditary Breast and Ovarian Cancer. Identifiers: Orphanet 145, MedGen C2676676, MONDO:0011450, OMIM 604370. Disease mechanism: loss of function.
Familial cancer of breast. Also called: Hereditary breast cancer; hereditary breast carcinoma; BREAST CANCER, FAMILIAL. Identifiers: Orphanet 227535, MedGen C0346153, MONDO:0016419, OMIM 114480. Disease mechanism: loss of function.

Submissions 1 to 10 of 28:

Evidence-based Network for the Interpretation of Germline Mutant Alleles (ENIGMA)
Classification: Pathogenic for Breast-ovarian cancer, familial, susceptibility to, 2. Last evaluated: 2016-09-08. Review status: reviewed by expert panel. Criteria: ENIGMA BRCA1/2 Classification Criteria (2015). Collection method: curation. Allele origin: germline.
Comment: Variant allele predicted to encode a truncated non-functional protein.

Genetics Laboratory, Great Ormond Street Hospital NHS Foundation Trust, North Thames Genomic Laboratory Hub
Classification: Pathogenic for Inherited breast cancer and ovarian cancer. Last evaluated: 2026-07-22. Review status: criteria provided, single submitter. Criteria: CanVIG BRCA Gene Specific V1.22. Collection method: clinical testing. Allele origin: germline. Affected: yes. Not counted in ClinVar's aggregate classification.
Comment: PS4_supporting, PVS1_very-strong, PM5_strong

Ambry Genetics
Classification: Pathogenic for Hereditary cancer-predisposing syndrome. Last evaluated: 2026-03-09. Review status: criteria provided, single submitter. Criteria: Ambry Variant Classification Scheme 2023. Collection method: clinical testing. Allele origin: germline. Not counted in ClinVar's aggregate classification.
Comment: The c.4631delA alteration, located in exon 11 (coding exon 10) of the BRCA2 gene, consists of a deletion of one nucleotide at position 4631, causing a translational frameshift with a predicted alternate stop codon after amino acids. This alteration is expected to result in loss of function by premature protein truncation or nonsense-mediated mRNA decay. This allele was reported in one heterozygous individual in population-based cohorts in the Genome Aggregation Database (gnomAD). This variant has been reported in multiple breast and/or ovarian cancer families (Hopper, 1999; Risch, 2001; De Leon Matsuda, 2002; Kurian, 2008; Zhang, 2011). In addition, it has been described as a founder pathogenic mutation in the Philippines (De Leon Matsuda, 2002). Of note, this alteration is also designated as 4856delA and 4859delA in published literature. Based on the available evidence, this alteration is classified as pathogenic.

Labcorp Genetics (formerly Invitae), Labcorp
Classification: Pathogenic for Hereditary breast ovarian cancer syndrome. Last evaluated: 2026-01-31. Review status: criteria provided, single submitter. Criteria: Invitae Variant Classification Sherloc (09022015). Collection method: clinical testing. Allele origin: germline. Not counted in ClinVar's aggregate classification.
Comment: This sequence change creates a premature translational stop signal (p.Asn1544Thrfs*24) in the BRCA2 gene. It is expected to result in an absent or disrupted protein product. Loss-of-function variants in BRCA2 are known to be pathogenic (PMID: 20104584). This variant is present in population databases (rs80359461, gnomAD 0.003%). This premature translational stop signal has been observed in individual(s) with breast and ovarian cancer as well as non-Hodgkin's lymphoma (PMID: 10498392, 11920621, 17591843, 21324516). It is commonly reported in individuals of Filipino ancestry (PMID: 10498392, 11920621, 17591843, 21324516). This variant is also known as 4856delA and 4859delA. ClinVar contains an entry for this variant (Variation ID: 37913). For these reasons, this variant has been classified as Pathogenic.

Institute of Immunology and Genetics Kaiserslautern
Classification: Pathogenic for Breast-ovarian cancer, familial, susceptibility to, 1. Last evaluated: 2025-07-29. Review status: criteria provided, single submitter. Criteria: ACMG Guidelines, 2015. Collection method: clinical testing. Allele origin: germline. Affected: yes. Not counted in ClinVar's aggregate classification.
Comment: ACMG Criteria: PVS1, PS4, PP1, PP4, PP5_M.

ARUP Laboratories, Molecular Genetics and Genomics, ARUP Laboratories
Classification: Pathogenic. Last evaluated: 2025-06-19. Review status: criteria provided, single submitter. Criteria: ARUP Molecular Germline Variant Investigation Process 2024. Collection method: clinical testing. Allele origin: germline. Not counted in ClinVar's aggregate classification.
Comment: The BRCA2 c.4631delA, p.Asn1544ThrfsTer24 variant (rs80359461), also known as 4859delA and 4856delA, is reported in multiple patients with hereditary breast and ovarian cancer syndrome (see Ashour 2019, Carter 2018, Hopper 1999, Lilyquist 2017, Zhang 2011). This variant is also reported in ClinVar (Variation ID: 37913). It is only found on one allele in the Genome Aggregation Database, indicating it is not a common polymorphism. This variant causes a frameshift by deleting a single nucleotide, so it is predicted to result in a truncated protein or mRNA subject to nonsense-mediated decay. Based on available information, this variant is considered to be pathogenic. References: Ashour M et al. Ezzat Shafik H. Frequency of germline mutations in BRCA1 and BRCA2 in ovarian cancer patients and their effect on treatment outcome. Cancer Manag Res. 2019 Jul 8;11:6275-6284. PMID: 31372034. Carter NJ et al. Germline pathogenic variants identified in women with ovarian tumors. Gynecol Oncol. 2018 Dec;151(3):481-488. PMID: 30322717. Hopper JL et al. Population-based estimate of the average age-specific cumulative risk of breast cancer for a defined set of protein-truncating mutations in BRCA1 and BRCA2. Australian Breast Cancer Family Study. Cancer Epidemiol Biomarkers Prev. 1999 Sep;8(9):741-7. PMID: 10498392. Lilyquist J et al. Frequency of mutations in a large series of clinically ascertained ovarian cancer cases tested on multi-gene panels compared to reference controls. Gynecol Oncol. 2017 Nov;147(2):375-380. PMID: 28888541. Zhang S et al. Frequencies of BRCA1 and BRCA2 mutations among 1,342 unselected patients with invasive ovarian cancer. Gynecol Oncol. 2011 May 1;121(2):353-7. PMID: 21324516.

Center for Genomic Medicine, Rigshospitalet, Copenhagen University Hospital
Classification: Pathogenic. Last evaluated: 2025-03-04. Review status: criteria provided, single submitter. Criteria: ACMG Guidelines, 2015. Collection method: clinical testing. Allele origin: germline. Not counted in ClinVar's aggregate classification.

PreventionGenetics, part of Exact Sciences
Classification: Pathogenic for BRCA2-related condition. Last evaluated: 2024-12-19. Review status: criteria provided, single submitter. Criteria: ACMG Guidelines, 2015. Collection method: clinical testing. Allele origin: germline. Not counted in ClinVar's aggregate classification.
Comment: The BRCA2 c.4631delA variant is predicted to result in a frameshift and premature protein termination (p.Asn1544Thrfs*24). This variant has been reported in several individuals with breast and ovarian cancer and is considered a possible founder mutation in individuals of Filipino ancestry (reported as 4856delA in Hopper et al. 1999. PubMed ID: 10498392; reported as 4859delA in Zhang et al. 2011. PubMed ID: 21324516 and De Leon Matsuda et al. 2002. PubMed ID: 11920621). This variant is reported in 0.0029% of alleles in individuals of Latino descent in gnomAD and is documented as pathogenic by several laboratories in ClinVar. Frameshift variants in BRCA2 are expected to be pathogenic. In summary, this variant is interpreted as pathogenic.

Institute of Human Genetics, University of Leipzig Medical Center
Classification: Pathogenic for Breast-ovarian cancer, familial, susceptibility to, 1. Last evaluated: 2024-11-06. Review status: criteria provided, single submitter. Criteria: ACMG Guidelines, 2015. Collection method: clinical testing. Allele origin: unknown. Inheritance: Autosomal dominant inheritance. Affected: yes. Not counted in ClinVar's aggregate classification.
Comment: Criteria applied: PVS1,PM5_STR

Molecular Pathology, Peter Maccallum Cancer Centre
Classification: Pathogenic for Breast-ovarian cancer, familial, susceptibility to, 2. Last evaluated: 2024-10-21. Review status: criteria provided, single submitter. Criteria: ACMG Guidelines, 2015. Collection method: clinical testing. Allele origin: germline. Inheritance: Autosomal dominant inheritance. Not counted in ClinVar's aggregate classification.

NM_000059.4(BRCA2):c.4631del (p.Asn1544fs)

Gene: BRCA2 (BRCA2 DNA repair associated; plus strand). Cytogenetic location: 13q13.1.
Variant type: Deletion.
Coding change: c.4631del on transcript NM_000059.4 (MANE Select); coding-DNA position 4631, one base deleted (A; older notation c.4631delA).
Protein change: p.Asn1544fs; shifts the reading frame from asparagine 1544.
Molecular consequence: frameshift variant.
Genome position (GRCh38, 1-based): chr13:32,338,986, A deleted; the last of 5 consecutive A bases (chr13:32,338,982-32,338,986); deleting any one gives the same sequence. VCF-style (leftmost placement, unchanged base first): chr13-32338981-GA-G. GRCh37 (hg19) VCF-style: chr13-32913118-GA-G.
Other names: 4859delA; c.4631delA (NM_000059.3).
Identifiers: ClinVar variation 37913 (VCV000037913.59), dbSNP rs80359460, ClinGen allele CA020560.